The following is an entry in ClinVar:

ClinVar aggregate classification (germline): Uncertain significance (1 of 4 stars; one submission).

Submission:

GeneDx
Classification: Uncertain significance. Last evaluated: 2025-05-16. Review status: criteria provided, single submitter. Criteria: GeneDx Variant Classification Process June 2021. Collection method: clinical testing. Allele origin: germline. Affected: yes.
Comment: Not observed at a significant frequency in large population cohorts (gnomAD); In silico analysis supports that this variant does not alter protein structure/function; Has not been previously published as pathogenic or benign to our knowledge

NM_001127464.1:c.8711_8712delinsAT

Gene: ZNF469 (zinc finger protein 469; plus strand).
Variant type: Indel.
Identifiers: ClinVar variation 4529680 (VCV004529680.1).